The following is an entry in ClinVar:

ClinVar aggregate classification (germline): Benign/Likely benign. Review status: criteria provided, multiple submitters, no conflicts (2 of 4 stars). 3 submissions from 3 submitters: Benign (1); Likely benign (2). Last evaluated 2025-06-02.

Conditions:
Tuberous sclerosis 2 (TSC2). Identifiers: Orphanet 805, MedGen C1860707, MONDO:0013199, OMIM 613254.
Hereditary cancer-predisposing syndrome. Also called: Tumor predisposition; Hereditary Cancer Syndrome; Neoplastic Syndromes, Hereditary; Hereditary neoplastic syndrome. Identifiers: Orphanet 140162, MedGen C0027672, MeSH D009386, MONDO:0015356.

Allele frequency attached by ClinVar (database versions not stated): ESP Exome Variant Server 0.00008.
gnomAD v4.1: 2 of 1,608,054 alleles (0.00012%); highest among the groups gnomAD compares: African/African-American, 0.0013%; no homozygotes.

Submissions (3):

Myriad Genetics, Inc.
Classification: Benign for Tuberous sclerosis 2. Last evaluated: 2025-06-02. Review status: criteria provided, single submitter. Criteria: Myriad Autosomal Dominant, Autosomal Recessive and X-Linked Classification Criteria (2023). Collection method: clinical testing. Allele origin: unknown.
Comment: This variant is considered benign. This variant is a silent/synonymous amino acid change and it is not expected to impact splicing.

Labcorp Genetics (formerly Invitae), Labcorp
Classification: Likely benign for Tuberous sclerosis 2. Last evaluated: 2024-12-09. Review status: criteria provided, single submitter. Criteria: Invitae Variant Classification Sherloc (09022015). Collection method: clinical testing. Allele origin: germline.

Ambry Genetics
Classification: Likely benign for Hereditary cancer-predisposing syndrome. Last evaluated: 2022-11-06. Review status: criteria provided, single submitter. Criteria: Ambry Variant Classification Scheme 2023. Collection method: clinical testing. Allele origin: germline.

NM_000548.5(TSC2):c.3939G>A (p.Glu1313=)

Gene: TSC2 (TSC complex subunit 2; plus strand). Cytogenetic location: 16p13.3.
Variant type: single nucleotide variant.
Coding change: c.3939G>A on transcript NM_000548.5 (MANE Select); coding-DNA position 3939, G replaced by A.
Protein change: p.Glu1313=; no amino-acid change (glutamic acid 1313 retained).
Molecular consequence: synonymous variant.
Genome position (GRCh38, 1-based): chr16:2,083,750, G>A. VCF-style: chr16-2083750-G-A. GRCh37 (hg19) VCF-style: chr16-2133751-G-A.
Other names: c.3738G>A, p.Glu1246= (NM_001077183.3); c.3870G>A, p.Glu1290= (NM_001114382.3); c.3630G>A, p.Glu1210= (NM_001318827.2); c.3594G>A, p.Glu1198= (NM_001318829.2); c.3207G>A, p.Glu1069= (NM_001318831.2); c.3771G>A, p.Glu1257= (NM_001318832.2); c.3741G>A, p.Glu1247= (NM_001363528.2); c.3807G>A, p.Glu1269= (NM_001370404.1); and 1 more.
Identifiers: ClinVar variation 747719 (VCV000747719.11), dbSNP rs149340262, ClinGen allele CA049640.